The following is an entry in ClinVar:

NM_001365951.3(KIF1B):c.4888A>T (p.Thr1630Ser)

Gene: KIF1B (kinesin family member 1B; plus strand). Cytogenetic location: 1p36.22.
Variant type: single nucleotide variant.
Coding change: c.4888A>T on transcript NM_001365951.3 (MANE Select); coding-DNA position 4888, A replaced by T.
Protein change: p.Thr1630Ser; replaces threonine 1630 with serine.
Molecular consequence: missense variant.
Genome position (GRCh38, 1-based): chr1:10,371,204, A>T. VCF-style: chr1-10371204-A-T. GRCh37 (hg19) VCF-style: chr1-10431262-A-T.
Other names: c.4888A>T, p.Thr1630Ser (NM_001365952.1); c.4750A>T, p.Thr1584Ser (NM_015074.3); short protein forms T1630S, T1584S.
Identifiers: ClinVar variation 2448769 (VCV002448769.3), dbSNP rs1569922700, ClinGen allele CA338327584.

ClinVar aggregate classification (germline): Uncertain significance (1 of 4 stars; one submission).

Submission:

Ambry Genetics
Classification: Uncertain significance. Last evaluated: 2025-07-20. Review status: criteria provided, single submitter. Criteria: Ambry Variant Classification Scheme 2023. Collection method: clinical testing. Allele origin: germline.
Comment: The p.T1584S variant (also known as c.4750A>T), located in coding exon 42 of the KIF1B gene, results from an A to T substitution at nucleotide position 4750. The threonine at codon 1584 is replaced by serine, an amino acid with similar properties. This amino acid position is conserved. In addition, this alteration is predicted to be tolerated by in silico analysis. Since supporting evidence is limited at this time, the clinical significance of this alteration remains unclear.